The following is an entry in ClinVar:

NM_015102.5(NPHP4):c.673+5G>T

Gene: NPHP4 (nephrocystin 4; minus strand). Cytogenetic location: 1p36.31.
Variant type: single nucleotide variant.
Coding change: c.673+5G>T on transcript NM_015102.5 (MANE Select); 5 bases into the intron after coding-DNA position 673, G replaced by T.
Molecular consequence: intron variant.
Genome position (GRCh38, 1-based): chr1:5,961,789, C>A on the plus strand (G>T on the coding strand, the complement: NPHP4 is on the minus strand). VCF-style: chr1-5961789-C-A. GRCh37 (hg19) VCF-style: chr1-6021849-C-A.
Other names: c.-694+5G>T (NM_001291594.2); c.-557+5G>T (NM_001291593.2).
Identifiers: ClinVar variation 1064761 (VCV001064761.1), dbSNP rs1346224220, ClinGen allele CA2499214823.

ClinVar aggregate classification (germline): Uncertain significance (1 of 4 stars; one submission).

Conditions:
Senior-Loken syndrome 4 (SLSN4). Identifiers: Orphanet 3156, MedGen C1846979, MONDO:0011756, OMIM 606996.

Submission:

Ocular Genomics Institute, Massachusetts Eye and Ear
Classification: Uncertain significance for Senior-Loken syndrome 4. Last evaluated: 2021-04-08. Review status: criteria provided, single submitter. Criteria: ACMG Guidelines, 2015. Collection method: research. Allele origin: germline. Affected: yes.
Comment: Through a review of available evidence we were able to apply the following criteria: PM2. Based on this evidence we have classified this variant as Variant of Uncertain Significance.